The following is an entry in ClinVar:

ClinVar aggregate classification (germline): Uncertain significance (1 of 4 stars; one submission).

Conditions:
Congenital myopathy with fiber type disproportion. Also called: Congenital fiber-type disproportion myopathy; Congenital fiber-type disproportion. Identifiers: Orphanet 2020, MedGen C0546264, MONDO:0009711. Inheritance: all.
Congenital myopathy 4B, autosomal recessive. Also called: Nemaline myopathy 1, autosomal dominant or recessive. Identifiers: Orphanet 171433, Orphanet 171439, Orphanet 171881, MedGen C5829889, MONDO:0012239, OMIM 609284.

Submission:

Labcorp Genetics (formerly Invitae), Labcorp
Classification: Uncertain significance for Congenital myopathy with fiber type disproportion; Congenital myopathy 4B, autosomal recessive. Last evaluated: 2022-02-08. Review status: criteria provided, single submitter. Criteria: Invitae Variant Classification Sherloc (09022015). Collection method: clinical testing. Allele origin: germline.
Comment: This sequence change replaces lysine, which is basic and polar, with methionine, which is neutral and non-polar, at codon 71 of the TPM3 protein (p.Lys71Met). In summary, the available evidence is currently insufficient to determine the role of this variant in disease. Therefore, it has been classified as a Variant of Uncertain Significance. Advanced modeling of protein sequence and biophysical properties (such as structural, functional, and spatial information, amino acid conservation, physicochemical variation, residue mobility, and thermodynamic stability) performed at Invitae indicates that this missense variant is not expected to disrupt TPM3 protein function. ClinVar contains an entry for this variant (Variation ID: 1054129). This variant has not been reported in the literature in individuals affected with TPM3-related conditions. This variant is not present in population databases (gnomAD no frequency).

NM_152263.4(TPM3):c.212A>T (p.Lys71Met)

Gene: TPM3 (tropomyosin 3; minus strand). Cytogenetic location: 1q21.3.
Variant type: single nucleotide variant.
Coding change: c.212A>T on transcript NM_152263.4 (MANE Select); coding-DNA position 212, A replaced by T.
Protein change: p.Lys71Met; replaces lysine 71 with methionine.
Molecular consequence: missense variant. On other transcripts: non-coding transcript variant (1).
Genome position (GRCh38, 1-based): chr1:154,191,217, T>A on the plus strand (A>T on the coding strand, the complement: TPM3 is on the minus strand). VCF-style: chr1-154191217-T-A. GRCh37 (hg19) VCF-style: chr1-154163693-T-A.
Other names: c.212A>T, p.Lys71Met (NM_001364679.2, NM_001364680.2, NM_001364681.2 and 1 more transcripts); short protein forms K71M.
Identifiers: ClinVar variation 1054129 (VCV001054129.9), dbSNP rs2148294477, ClinGen allele CA342587038.